The following is an entry in ClinVar:

ClinVar aggregate classification (germline): Uncertain significance (1 of 4 stars; one submission).

Conditions:
NRP2-related disorder. Also called: NRP2-related condition.

gnomAD v4.1: 1 of 1,603,678 alleles (0.000062%); highest among the groups gnomAD compares: African/African-American, 0.0013%; no homozygotes.

Submission:

PreventionGenetics, part of Exact Sciences
Classification: Uncertain significance for NRP2-related condition. Last evaluated: 2026-09-02. Review status: criteria provided, single submitter. Criteria: ACMG Guidelines, 2015. Collection method: clinical testing. Allele origin: germline.
Comment: The NRP2 c.2477A>G variant is predicted to result in the amino acid substitution p.Glu826Gly. To our knowledge, this variant has not been reported in the literature or in a large population database (gnomAD), indicating this variant is rare. At this time, the clinical significance of this variant is uncertain due to the absence of conclusive functional and genetic evidence.

NM_003872.3(NRP2):c.2462A>G (p.Glu821Gly)

Gene: NRP2 (neuropilin 2; plus strand). Cytogenetic location: 2q33.3.
Variant type: single nucleotide variant.
Coding change: c.2462A>G on transcript NM_003872.3 (MANE Select); coding-DNA position 2462, A replaced by G.
Protein change: p.Glu821Gly; replaces glutamic acid 821 with glycine.
Molecular consequence: missense variant. On other transcripts: intron variant (1).
Genome position (GRCh38, 1-based): chr2:205,792,271, A>G. VCF-style: chr2-205792271-A-G. GRCh37 (hg19) VCF-style: chr2-206656995-A-G.
Other names: c.2477A>G, p.Glu826Gly (NM_201266.2); c.2426-2483A>G (NM_201279.2); short protein forms E826G, E821G.
Identifiers: ClinVar variation 4994373 (VCV004994373.1).